The following is an entry in ClinVar:

NM_138477.4(CDAN1):c.2461G>C (p.Gly821Arg)

Gene: CDAN1 (codanin 1; minus strand). Cytogenetic location: 15q15.2.
Variant type: single nucleotide variant.
Coding change: c.2461G>C on transcript NM_138477.4 (MANE Select); coding-DNA position 2461, G replaced by C.
Protein change: p.Gly821Arg; replaces glycine 821 with arginine.
Molecular consequence: missense variant.
Genome position (GRCh38, 1-based): chr15:42,729,309, C>G on the plus strand (G>C on the coding strand, the complement: CDAN1 is on the minus strand). VCF-style: chr15-42729309-C-G. GRCh37 (hg19) VCF-style: chr15-43021507-C-G.
Other names: short protein forms G821R.
Identifiers: ClinVar variation 4749071 (VCV004749071.1).

ClinVar aggregate classification (germline): Uncertain significance (1 of 4 stars; one submission).

gnomAD v4.1: 10 of 1,613,958 alleles (0.00062%); highest among the groups gnomAD compares: African/African-American, 0.004%; no homozygotes.

Submission:

Labcorp Genetics (formerly Invitae), Labcorp
Classification: Uncertain significance. Last evaluated: 2025-12-03. Review status: criteria provided, single submitter. Criteria: Invitae Variant Classification Sherloc (09022015). Collection method: clinical testing. Allele origin: germline.
Comment: This sequence change replaces glycine, which is neutral and non-polar, with arginine, which is basic and polar, at codon 821 of the CDAN1 protein (p.Gly821Arg). This variant is not present in population databases (gnomAD no frequency). This variant has not been reported in the literature in individuals affected with CDAN1-related conditions. An algorithm developed to predict the effect of missense changes on protein structure and function (PolyPhen-2) suggests that this variant is likely to be disruptive. In summary, the available evidence is currently insufficient to determine the role of this variant in disease. Therefore, it has been classified as a Variant of Uncertain Significance.